The following is an entry in ClinVar:

NM_000747.3(CHRNB1):c.512C>T (p.Ser171Phe)

Gene: CHRNB1 (cholinergic receptor nicotinic beta 1 subunit; plus strand). Cytogenetic location: 17p13.1.
Variant type: single nucleotide variant.
Coding change: c.512C>T on transcript NM_000747.3 (MANE Select); coding-DNA position 512, C replaced by T.
Protein change: p.Ser171Phe; replaces serine 171 with phenylalanine.
Molecular consequence: missense variant.
Genome position (GRCh38, 1-based): chr17:7,447,552, C>T. VCF-style: chr17-7447552-C-T. GRCh37 (hg19) VCF-style: chr17-7350871-C-T.
Other names: short protein forms S171F.
Identifiers: ClinVar variation 2647336 (VCV002647336.24), dbSNP rs201453432, ClinGen allele CA397792733.

ClinVar aggregate classification (germline): Uncertain significance (1 of 4 stars; one submission).

Submission:

CeGaT Center for Human Genetics Tuebingen
Classification: Uncertain significance. Last evaluated: 2022-12-01. Review status: criteria provided, single submitter. Criteria: CeGaT Center For Human Genetics Tuebingen Variant Classification Criteria Version 2. Collection method: clinical testing. Allele origin: germline. Affected: yes. Observed: 1 variant allele.
Comment: CHRNB1: PM2